The following is an entry in ClinVar:

NM_006231.4(POLE):c.2752T>G (p.Ser918Ala)

Gene: POLE (DNA polymerase epsilon, catalytic subunit; minus strand). Cytogenetic location: 12q24.33.
Variant type: single nucleotide variant.
Coding change: c.2752T>G on transcript NM_006231.4 (MANE Select); coding-DNA position 2752, T replaced by G.
Protein change: p.Ser918Ala; replaces serine 918 with alanine.
Molecular consequence: missense variant.
Genome position (GRCh38, 1-based): chr12:132,661,639, A>C on the plus strand (T>G on the coding strand, the complement: POLE is on the minus strand). VCF-style: chr12-132661639-A-C. GRCh37 (hg19) VCF-style: chr12-133238225-A-C.
Other names: short protein forms S918A.
Identifiers: ClinVar variation 3781528 (VCV003781528.1).

ClinVar aggregate classification (germline): Uncertain significance (1 of 4 stars; one submission).

Conditions:
Hereditary cancer-predisposing syndrome. Also called: Neoplastic Syndromes, Hereditary; Hereditary Cancer Syndrome; Tumor predisposition; Hereditary neoplastic syndrome. Identifiers: Orphanet 140162, MedGen C0027672, MeSH D009386, MONDO:0015356.

Submission:

Ambry Genetics
Classification: Uncertain significance for Hereditary cancer-predisposing syndrome. Last evaluated: 2024-12-12. Review status: criteria provided, single submitter. Criteria: Ambry Variant Classification Scheme 2023. Collection method: clinical testing. Allele origin: germline.
Comment: The p.S918A variant (also known as c.2752T>G), located in coding exon 24 of the POLE gene, results from a T to G substitution at nucleotide position 2752. The serine at codon 918 is replaced by alanine, an amino acid with similar properties. This amino acid position is conserved. In addition, this alteration is predicted to be tolerated by in silico analysis. Based on the available evidence, the clinical significance of this variant remains unclear.